The following is an entry in ClinVar:

ClinVar aggregate classification (germline): Benign/Likely benign. Review status: criteria provided, multiple submitters, no conflicts (2 of 4 stars). 3 submissions from 3 submitters: Benign (1); Likely benign (2). Last evaluated 2024-11-18.

Conditions:
Familial adenomatous polyposis 1 (FAP1). Also called: FAMILIAL ADENOMATOUS POLYPOSIS 1, ATTENUATED; POLYPOSIS, ADENOMATOUS INTESTINAL. Identifiers: MedGen C2713442, MONDO:0021056, OMIM 175100. Disease mechanism: loss of function.
Hereditary cancer-predisposing syndrome. Also called: Hereditary Cancer Syndrome; Neoplastic Syndromes, Hereditary; Hereditary neoplastic syndrome; Tumor predisposition. Identifiers: Orphanet 140162, MedGen C0027672, MeSH D009386, MONDO:0015356.

gnomAD v4.1: 1 of 1,614,174 alleles (0.000062%); highest among the groups gnomAD compares: Non-Finnish European, 0.000085%; no homozygotes.

Submissions (3):

Labcorp Genetics (formerly Invitae), Labcorp
Classification: Likely benign for Familial adenomatous polyposis 1. Last evaluated: 2024-11-18. Review status: criteria provided, single submitter. Criteria: Invitae Variant Classification Sherloc (09022015). Collection method: clinical testing. Allele origin: germline.

Myriad Genetics, Inc.
Classification: Benign for Familial adenomatous polyposis 1. Last evaluated: 2024-03-25. Review status: criteria provided, single submitter. Criteria: Myriad Autosomal Dominant, Autosomal Recessive and X-Linked Classification Criteria (2023). Collection method: clinical testing. Allele origin: unknown.
Comment: This variant is considered benign. This variant is a silent/synonymous amino acid change and it is not expected to impact splicing.

Ambry Genetics
Classification: Likely benign for Hereditary cancer-predisposing syndrome. Last evaluated: 2022-05-30. Review status: criteria provided, single submitter. Criteria: Ambry Variant Classification Scheme 2023. Collection method: clinical testing. Allele origin: germline.

NM_000038.6(APC):c.4009C>T (p.Leu1337=)

Gene: APC (APC regulator of Wnt signaling pathway; plus strand). Cytogenetic location: 5q22.2.
Variant type: single nucleotide variant.
Coding change: c.4009C>T on transcript NM_000038.6 (MANE Select); coding-DNA position 4009, C replaced by T.
Protein change: p.Leu1337=; no amino-acid change (leucine 1337 retained).
Molecular consequence: synonymous variant.
Genome position (GRCh38, 1-based): chr5:112,839,603, C>T. VCF-style: chr5-112839603-C-T. GRCh37 (hg19) VCF-style: chr5-112175300-C-T.
Other names: c.4009C>T, p.Leu1337= (NM_001127510.3, NM_001354895.2); c.3955C>T, p.Leu1319= (NM_001127511.3); c.4063C>T, p.Leu1355= (NM_001354896.2); c.4039C>T, p.Leu1347= (NM_001354897.2); c.3934C>T, p.Leu1312= (NM_001354898.2); c.3925C>T, p.Leu1309= (NM_001354899.2); c.3886C>T, p.Leu1296= (NM_001354900.2); c.3832C>T, p.Leu1278= (NM_001354901.2); and 5 more.
Identifiers: ClinVar variation 1095510 (VCV001095510.50), dbSNP rs1554085448, ClinGen allele CA445964033.